The following is an entry in ClinVar:

NM_002860.4(ALDH18A1):c.49C>A (p.Leu17Ile)

Gene: ALDH18A1 (aldehyde dehydrogenase 18 family member A1; minus strand). Cytogenetic location: 10q24.1.
Variant type: single nucleotide variant.
Coding change: c.49C>A on transcript NM_002860.4 (MANE Select); coding-DNA position 49, C replaced by A.
Protein change: p.Leu17Ile; replaces leucine 17 with isoleucine.
Molecular consequence: missense variant. On other transcripts: 5 prime UTR variant (4).
Genome position (GRCh38, 1-based): chr10:95,653,329, G>T on the plus strand (C>A on the coding strand, the complement: ALDH18A1 is on the minus strand). VCF-style: chr10-95653329-G-T. GRCh37 (hg19) VCF-style: chr10-97413086-G-T.
Other names: c.49C>A, p.Leu17Ile (NM_001017423.2, NM_001323413.2, NM_001323414.2 and 2 more transcripts); c.-70C>A (NM_001323412.2, NM_001323416.2, NM_001323418.2); c.-118C>A (NM_001323419.2); short protein forms L17I.
Identifiers: ClinVar variation 1056851 (VCV001056851.10), dbSNP rs2139670010, ClinGen allele CA377710591.

ClinVar aggregate classification (germline): Uncertain significance (1 of 4 stars; one submission).

Conditions:
de Barsy syndrome. Also called: Cutis laxa-corneal clouding-oligophrenia syndrome. Identifiers: Orphanet 2962, MedGen C0268354, MONDO:0017569.
Cutis laxa, autosomal dominant 3 (ADCL3). Identifiers: Orphanet 90348, MedGen C4225268, MONDO:0014706, OMIM 616603.
Autosomal dominant spastic paraplegia type 9. Identifiers: MedGen C1832669, MONDO:0015091.

Submission:

Labcorp Genetics (formerly Invitae), Labcorp
Classification: Uncertain significance for Autosomal dominant spastic paraplegia type 9; de Barsy syndrome; Cutis laxa, autosomal dominant 3. Last evaluated: 2020-02-12. Review status: criteria provided, single submitter. Criteria: Invitae Variant Classification Sherloc (09022015). Collection method: clinical testing. Allele origin: germline.
Comment: Algorithms developed to predict the effect of missense changes on protein structure and function are either unavailable or do not agree on the potential impact of this missense change (SIFT: "Tolerated"; PolyPhen-2: "Possibly Damaging"; Align-GVGD: "Class C0"). In summary, the available evidence is currently insufficient to determine the role of this variant in disease. Therefore, it has been classified as a Variant of Uncertain Significance. This variant has not been reported in the literature in individuals with ALDH18A1-related conditions. This variant is not present in population databases (ExAC no frequency). This sequence change replaces leucine with isoleucine at codon 17 of the ALDH18A1 protein (p.Leu17Ile). The leucine residue is moderately conserved and there is a small physicochemical difference between leucine and isoleucine.